The following is an entry in ClinVar:

NM_031935.3(HMCN1):c.1555C>T (p.Pro519Ser)

Gene: HMCN1 (hemicentin 1; plus strand). Cytogenetic location: 1q31.1.
Variant type: single nucleotide variant.
Coding change: c.1555C>T on transcript NM_031935.3 (MANE Select); coding-DNA position 1555, C replaced by T.
Protein change: p.Pro519Ser; replaces proline 519 with serine.
Molecular consequence: missense variant.
Genome position (GRCh38, 1-based): chr1:185,933,551, C>T. VCF-style: chr1-185933551-C-T. GRCh37 (hg19) VCF-style: chr1-185902683-C-T.
Other names: short protein forms P519S.
Identifiers: ClinVar variation 2554607 (VCV002554607.5), dbSNP rs1453387592, ClinGen allele CA343866575.

ClinVar aggregate classification (germline): Uncertain significance. Review status: criteria provided, multiple submitters, no conflicts (2 of 4 stars). 2 submissions from 2 submitters: Uncertain significance (2). Last evaluated 2023-06-01.

Allele frequency attached by ClinVar (database versions not stated): TOPMed below 0.00001; gnomAD 0.00001; gnomAD exomes 0.00001.
gnomAD v4.1: 12 of 1,613,694 alleles (0.00074%); highest among the groups gnomAD compares: African/African-American, 0.0013%; no homozygotes.

Submissions (2):

Ambry Genetics
Classification: Uncertain significance. Last evaluated: 2023-06-01. Review status: criteria provided, single submitter. Criteria: Ambry Variant Classification Scheme 2023. Collection method: clinical testing. Allele origin: germline.

Labcorp Genetics (formerly Invitae), Labcorp
Classification: Uncertain significance. Last evaluated: 2023-04-14. Review status: criteria provided, single submitter. Criteria: Invitae Variant Classification Sherloc (09022015). Collection method: clinical testing. Allele origin: germline.
Comment: An algorithm developed to predict the effect of missense changes on protein structure and function (PolyPhen-2) suggests that this variant is likely to be disruptive. In summary, the available evidence is currently insufficient to determine the role of this variant in disease. Therefore, it has been classified as a Variant of Uncertain Significance. This variant has not been reported in the literature in individuals affected with HMCN1-related conditions. This sequence change replaces proline, which is neutral and non-polar, with serine, which is neutral and polar, at codon 519 of the HMCN1 protein (p.Pro519Ser). The frequency data for this variant in the population databases is considered unreliable, as metrics indicate poor data quality at this position in the gnomAD database.